The following is an entry in ClinVar:

NM_022124.6(CDH23):c.4217T>A (p.Ile1406Asn)

Gene: CDH23 (cadherin related 23; plus strand). Cytogenetic location: 10q22.1.
Variant type: single nucleotide variant.
Coding change: c.4217T>A on transcript NM_022124.6 (MANE Select); coding-DNA position 4217, T replaced by A.
Protein change: p.Ile1406Asn; replaces isoleucine 1406 with asparagine.
Molecular consequence: missense variant.
Genome position (GRCh38, 1-based): chr10:71,738,505, T>A. VCF-style: chr10-71738505-T-A. GRCh37 (hg19) VCF-style: chr10-73498262-T-A.
Other names: short protein forms I1406N.
Identifiers: ClinVar variation 2003854 (VCV002003854.4), dbSNP rs2494209480, ClinGen allele CA377158997.
Genomic context (GRCh38, chr10:71,738,505, plus strand): 5'-TGGGGCCAAGGAGGGGAAGGAGGCTGTAGGTCTCTGACCACGTTCACCCTCAGGTCTACA[T>A]CACTGTGCTGGACGAGAATGACAACAGCCCCCGGTTTGACTTCACCTCCGACTCGGCGGT-3'
Protein context (NP_071407.4, residues 1396-1416): PKVDSTVKVY[Ile1406Asn]TVLDENDNSP

ClinVar aggregate classification (germline): Uncertain significance (1 of 4 stars; one submission).

Submission:

Labcorp Genetics (formerly Invitae), Labcorp
Classification: Uncertain significance. Last evaluated: 2022-06-09. Review status: criteria provided, single submitter. Criteria: Invitae Variant Classification Sherloc (09022015). Collection method: clinical testing. Allele origin: germline.
Comment: In summary, the available evidence is currently insufficient to determine the role of this variant in disease. Therefore, it has been classified as a Variant of Uncertain Significance. Algorithms developed to predict the effect of missense changes on protein structure and function are either unavailable or do not agree on the potential impact of this missense change (SIFT: "Deleterious"; PolyPhen-2: "Not Available"; Align-GVGD: "Class C45"). This variant has not been reported in the literature in individuals affected with CDH23-related conditions. This variant is not present in population databases (gnomAD no frequency). This sequence change replaces isoleucine, which is neutral and non-polar, with asparagine, which is neutral and polar, at codon 1406 of the CDH23 protein (p.Ile1406Asn).